The following is an entry in ClinVar:

NM_001370259.2(MEN1):c.92A>T (p.Glu31Val)

Gene: MEN1 (menin 1; minus strand). Cytogenetic location: 11q13.1.
Variant type: single nucleotide variant.
Coding change: c.92A>T on transcript NM_001370259.2 (MANE Select); coding-DNA position 92, A replaced by T.
Protein change: p.Glu31Val; replaces glutamic acid 31 with valine.
Molecular consequence: missense variant.
Genome position (GRCh38, 1-based): chr11:64,810,018, T>A on the plus strand (A>T on the coding strand, the complement: MEN1 is on the minus strand). VCF-style: chr11-64810018-T-A. GRCh37 (hg19) VCF-style: chr11-64577490-T-A.
Other names: c.92A>T, p.Glu31Val (NM_000244.4, NM_001370251.2, NM_001370260.2 and 9 more transcripts); short protein forms E31V.
Identifiers: ClinVar variation 403813 (VCV000403813.16), dbSNP rs1060499977, ClinGen allele CA16613698.

ClinVar aggregate classification (germline): Conflicting classifications of pathogenicity. Review status: criteria provided, conflicting classifications (1 of 4 stars). 5 submissions from 5 submitters: Uncertain significance (4); Likely benign (1). Last evaluated 2025-09-17.

Conditions:
Hereditary cancer-predisposing syndrome. Also called: Tumor predisposition; Neoplastic Syndromes, Hereditary; Hereditary Cancer Syndrome; Hereditary neoplastic syndrome. Identifiers: Orphanet 140162, MedGen C0027672, MeSH D009386, MONDO:0015356.
Multiple endocrine neoplasia, type 1 (MEN1). Also called: MEN I; WERMER SYNDROME; Endocrine adenomatosis multiple; MEN 1; MEA I. Identifiers: Orphanet 652, MedGen C0025267, MeSH D018761, MONDO:0007540, OMIM 131100.

Allele frequency attached by ClinVar (database versions not stated): gnomAD exomes below 0.00001; TOPMed below 0.00001.
gnomAD v4.1: 2 of 1,607,716 alleles (0.00012%); highest among the groups gnomAD compares: Non-Finnish European, 0.00017%; no homozygotes.

Submissions (5):

Color Diagnostics, LLC DBA Color Health
Classification: Uncertain significance for Multiple endocrine neoplasia, type 1. Last evaluated: 2025-09-17. Review status: criteria provided, single submitter. Criteria: ACMG Guidelines, 2015. Collection method: clinical testing. Allele origin: germline.
Comment: This missense variant replaces glutamic acid with valine at codon 31 of the MEN1 protein. Computational predictions are inconclusive regarding the impact of this variant on protein structure and function. To our knowledge, functional studies have not been reported for this variant. This variant has not been reported in individuals affected with MEN1-related disorders in the literature. This variant has not been identified in the general population by the Genome Aggregation Database (gnomAD). The available evidence is insufficient to determine the role of this variant in disease conclusively. Therefore, this variant is classified as a Variant of Uncertain Significance.

Labcorp Genetics (formerly Invitae), Labcorp
Classification: Likely benign for Multiple endocrine neoplasia, type 1. Last evaluated: 2025-07-31. Review status: criteria provided, single submitter. Criteria: Invitae Variant Classification Sherloc (09022015). Collection method: clinical testing. Allele origin: germline.

Ambry Genetics
Classification: Uncertain significance for Hereditary cancer-predisposing syndrome. Last evaluated: 2024-04-30. Review status: criteria provided, single submitter. Criteria: Ambry Variant Classification Scheme 2023. Collection method: clinical testing. Allele origin: germline.
Comment: The p.E31V variant (also known as c.92A>T), located in coding exon 1 of the MEN1 gene, results from an A to T substitution at nucleotide position 92. The glutamic acid at codon 31 is replaced by valine, an amino acid with dissimilar properties. This amino acid position is well conserved in available vertebrate species. In addition, this alteration is predicted to be deleterious by in silico analysis. Based on the available evidence, the clinical significance of this variant remains unclear.

GeneDx
Classification: Uncertain significance. Last evaluated: 2024-01-09. Review status: criteria provided, single submitter. Criteria: GeneDx Variant Classification Process June 2021. Collection method: clinical testing. Allele origin: germline. Affected: yes.
Comment: Not observed at significant frequency in large population cohorts (gnomAD); In silico analysis supports that this missense variant has a deleterious effect on protein structure/function; Has not been previously published as pathogenic or benign to our knowledge; This variant is associated with the following publications: (PMID: 9989505)

Baylor Genetics
Classification: Uncertain significance for Multiple Endocrine Neoplasia Type 1. Last evaluated: 2023-09-03. Review status: criteria provided, single submitter. Criteria: ACMG Guidelines, 2015. Collection method: clinical testing. Allele origin: unknown.